The following is an entry in ClinVar:

ClinVar aggregate classification (germline): Uncertain significance (1 of 4 stars; one submission).

Conditions:
Amelocerebrohypohidrotic syndrome (KTZS). Also called: EPILEPSY AND YELLOW TEETH; EPILEPSY, DEMENTIA, AND AMELOGENESIS IMPERFECTA; KOHLSCHUTTER SYNDROME; Kohlschutter's syndrome. Identifiers: Orphanet 1946, MedGen C0406740, MONDO:0009185, OMIM 226750.

Allele frequency attached by ClinVar (database versions not stated): gnomAD exomes below 0.00001 and 0.00001; gnomAD 0.00010 and 0.00011; TOPMed 0.00013.
gnomAD v4.1: 24 of 1,606,940 alleles (0.0015%); highest among the groups gnomAD compares: African/African-American, 0.028%; no homozygotes.

Submission:

Labcorp Genetics (formerly Invitae), Labcorp
Classification: Uncertain significance for Amelocerebrohypohidrotic syndrome. Last evaluated: 2022-06-20. Review status: criteria provided, single submitter. Criteria: Invitae Variant Classification Sherloc (09022015). Collection method: clinical testing. Allele origin: germline.
Comment: This sequence change replaces asparagine, which is neutral and polar, with aspartic acid, which is acidic and polar, at codon 60 of the ROGDI protein (p.Asn60Asp). The frequency data for this variant in the population databases is considered unreliable, as metrics indicate poor data quality at this position in the gnomAD database. This variant has not been reported in the literature in individuals affected with ROGDI-related conditions. ClinVar contains an entry for this variant (Variation ID: 951740). Algorithms developed to predict the effect of missense changes on protein structure and function (SIFT, PolyPhen-2, Align-GVGD) all suggest that this variant is likely to be tolerated. In summary, the available evidence is currently insufficient to determine the role of this variant in disease. Therefore, it has been classified as a Variant of Uncertain Significance.

NM_024589.3(ROGDI):c.178A>G (p.Asn60Asp)

Gene: ROGDI (rogdi atypical leucine zipper; minus strand). Cytogenetic location: 16p13.3.
Variant type: single nucleotide variant.
Coding change: c.178A>G on transcript NM_024589.3 (MANE Select); coding-DNA position 178, A replaced by G.
Protein change: p.Asn60Asp; replaces asparagine 60 with aspartic acid.
Molecular consequence: missense variant. On other transcripts: non-coding transcript variant (1).
Genome position (GRCh38, 1-based): chr16:4,801,525, T>C on the plus strand (A>G on the coding strand, the complement: ROGDI is on the minus strand). VCF-style: chr16-4801525-T-C. GRCh37 (hg19) VCF-style: chr16-4851526-T-C.
Other names: short protein forms N60D.
Identifiers: ClinVar variation 951740 (VCV000951740.7), dbSNP rs997016379, ClinGen allele CA277141648.